The following is an entry in ClinVar:

NM_001164665.2(KIAA1549):c.109_117dup (p.Arg39_Arg40insAlaArgArg)

Gene: KIAA1549 (KIAA1549; minus strand). Cytogenetic location: 7q34.
Variant type: Duplication.
Coding change: c.109_117dup on transcript NM_001164665.2 (MANE Select); coding-DNA positions 109 to 117, 9 bases duplicated (GCCCGCCGC; older notation c.109_117dupGCCCGCCGC).
Protein change: p.Arg39_Arg40insAlaArgArg.
Molecular consequence: inframe insertion.
Genome position (GRCh38, 1-based): chr7:138,981,153-138,981,161, GCGGCGGGC duplicated on the plus strand (GCCCGCCGC on the coding strand, the reverse complement: KIAA1549 is on the minus strand); duplicating any 9 consecutive bases within chr7:138,981,153-138,981,163 gives the same sequence; the c. name uses the placement nearest the transcript's 3' end. VCF-style (leftmost placement, unchanged base first): chr7-138981152-G-GGCGGCGGGC. GRCh37 (hg19) VCF-style: chr7-138665898-G-GGCGGCGGGC.
Other names: c.109_117dup, p.Arg39_Arg40insAlaArgArg (NM_020910.3).
Identifiers: ClinVar variation 2111845 (VCV002111845.4), dbSNP rs2485657838, ClinGen allele CA2579036907.

ClinVar aggregate classification (germline): Uncertain significance (1 of 4 stars; one submission).

Submission:

Labcorp Genetics (formerly Invitae), Labcorp
Classification: Uncertain significance. Last evaluated: 2022-03-14. Review status: criteria provided, single submitter. Criteria: Invitae Variant Classification Sherloc (09022015). Collection method: clinical testing. Allele origin: germline.
Comment: In summary, the available evidence is currently insufficient to determine the role of this variant in disease. Therefore, it has been classified as a Variant of Uncertain Significance. This variant has not been reported in the literature in individuals affected with KIAA1549-related conditions. The frequency data for this variant in the population databases is considered unreliable, as metrics indicate insufficient coverage at this position in the gnomAD database. This variant, c.109_117dup, results in the insertion of 3 amino acid(s) of the KIAA1549 protein (p.Ala37_Arg39dup), but otherwise preserves the integrity of the reading frame.